The following is an entry in ClinVar:

ClinVar aggregate classification (germline): Benign. Review status: reviewed by expert panel (3 of 4 stars). 17 submissions from 17 submitters: Benign (1). 16 of the submissions do not count toward it. Last evaluated 2019-06-18.

Conditions:
BRCA1-related disorder. Also called: BRCA1-related condition.
Breast and/or ovarian cancer. Identifiers: MedGen CN221562.
Hereditary cancer-predisposing syndrome. Also called: Hereditary Cancer Syndrome; Hereditary neoplastic syndrome; Neoplastic Syndromes, Hereditary; Tumor predisposition. Identifiers: Orphanet 140162, MedGen C0027672, MeSH D009386, MONDO:0015356.
Breast-ovarian cancer, familial, susceptibility to, 1 (BROVCA1). Also called: BRCA1 Hereditary Breast and Ovarian Cancer; OVARIAN CANCER, SUSCEPTIBILITY TO. Identifiers: Orphanet 145, MedGen C2676676, MONDO:0011450, OMIM 604370. Disease mechanism: loss of function.
Hereditary breast ovarian cancer syndrome. Also called: BRCA1- and BRCA2-Associated Hereditary Breast and Ovarian Cancer; Hereditary breast and ovarian cancer syndrome; Hereditary breast and ovarian cancer syndrome (HBOC); Breast and ovarian cancer; Hereditary breast and/or ovarian cancer syndrome; Hereditary breast and ovarian cancer. Identifiers: Orphanet 145, MedGen C0677776, MeSH D061325, MONDO:0003582. Disease mechanism: loss of function.

Allele frequency attached by ClinVar (database versions not stated): TOPMed 0.00008; 1000 Genomes Project 30x 0.00016.
gnomAD v4.1: 66 of 1,614,128 alleles (0.0041%); highest among the groups gnomAD compares: Admixed American, 0.063%; no homozygotes.

Submissions (17):

Evidence-based Network for the Interpretation of Germline Mutant Alleles (ENIGMA)
Classification: Benign for Breast-ovarian cancer, familial, susceptibility to, 1. Last evaluated: 2019-06-18. Review status: reviewed by expert panel. Criteria: ENIGMA BRCA1/2 Classification Criteria (2017-06-29). Collection method: curation. Allele origin: germline.
Comment: Variant allele has low bioinformatic likelihood to encode a missense alteration affecting protein function (Missense prior probability 0.02), AND low bioinformatic likelihood to alter mRNA splicing (splicing prior 0.02), AND minor allele frequency 0.00386 (African), derived from gnomAD v2.1.1 non-cancer (2019-05-13).

Labcorp Genetics (formerly Invitae), Labcorp
Classification: Benign for Hereditary breast ovarian cancer syndrome. Last evaluated: 2026-01-21. Review status: criteria provided, single submitter. Criteria: Invitae Variant Classification Sherloc (09022015). Collection method: clinical testing. Allele origin: germline. Not counted in ClinVar's aggregate classification.

Center for Genomic Medicine, Rigshospitalet, Copenhagen University Hospital
Classification: Benign. Last evaluated: 2025-12-29. Review status: criteria provided, single submitter. Criteria: ACMG Guidelines, 2015. Collection method: clinical testing. Allele origin: germline. Not counted in ClinVar's aggregate classification.
Comment: Classification criteria: BS1, BP1_strong

Dasa
Classification: Likely benign for Breast-ovarian cancer, familial, susceptibility to, 1. Last evaluated: 2025-11-06. Review status: criteria provided, single submitter. Criteria: DASA Assertion Criteria. Collection method: clinical testing. Allele origin: germline. Not counted in ClinVar's aggregate classification.
Comment: NM_007294.4(BRCA1):c.3600G>T (p.Gln1200His) is a missense variant that results in the substitution of glutamine with histidine. Population frequency is inconsistent with a disease-causing role for this variant, and the variant context is inconsistent with a known disease-causing mechanism. Therefore, based on the currently available evidence, this variant is classified as likely benign.

CHEO Genetics Diagnostic Laboratory, Children's Hospital of Eastern Ontario
Classification: Likely benign for Breast and/or ovarian cancer. Last evaluated: 2023-06-30. Review status: criteria provided, single submitter. Criteria: ACMG Guidelines, 2015. Collection method: clinical testing. Allele origin: germline. Not counted in ClinVar's aggregate classification.

Quest Diagnostics Nichols Institute San Juan Capistrano
Classification: Benign. Last evaluated: 2023-04-23. Review status: criteria provided, single submitter. Criteria: Quest Diagnostics criteria. Collection method: clinical testing. Allele origin: unknown. Not counted in ClinVar's aggregate classification.

Genetics Program, Instituto Nacional de Cancer
Classification: Likely benign for Hereditary breast ovarian cancer syndrome. Last evaluated: 2021-11-01. Review status: criteria provided, single submitter. Criteria: ACMG Guidelines, 2015. Collection method: research. Allele origin: germline. Affected: yes. Not counted in ClinVar's aggregate classification.

Sema4
Classification: Likely benign for Hereditary cancer-predisposing syndrome. Last evaluated: 2021-07-26. Review status: criteria provided, single submitter. Criteria: Sema4 Curation Guidelines. Collection method: curation. Allele origin: germline. Not counted in ClinVar's aggregate classification.

Mendelics
Classification: Likely benign for Breast-ovarian cancer, familial, susceptibility to, 1. Last evaluated: 2019-05-28. Review status: criteria provided, single submitter. Criteria: Mendelics Assertion Criteria 2017. Collection method: clinical testing. Allele origin: unknown. Not counted in ClinVar's aggregate classification.

Women's Health and Genetics/Laboratory Corporation of America, LabCorp
Classification: Benign. Last evaluated: 2016-03-18. Review status: criteria provided, single submitter. Criteria: LabCorp Variant Classification Summary - May 2015. Collection method: clinical testing. Allele origin: germline. Not counted in ClinVar's aggregate classification.

Eurofins Ntd Llc (ga)
Classification: Likely benign. Last evaluated: 2015-05-06. Review status: criteria provided, single submitter. Criteria: EGL Classification Definitions 2015. Collection method: clinical testing. Allele origin: germline. Observed: 1 variant allele, 1 heterozygote. Not counted in ClinVar's aggregate classification.

Color Diagnostics, LLC DBA Color Health
Classification: Likely benign for Hereditary cancer-predisposing syndrome. Last evaluated: 2015-04-20. Review status: criteria provided, single submitter. Criteria: ACMG Guidelines, 2015. Collection method: clinical testing. Allele origin: germline. Not counted in ClinVar's aggregate classification.

Ambry Genetics
Classification: Benign for Hereditary cancer-predisposing syndrome. Last evaluated: 2014-11-18. Review status: criteria provided, single submitter. Criteria: Ambry Variant Classification Scheme 2023. Collection method: clinical testing. Allele origin: germline. Not counted in ClinVar's aggregate classification.

GeneDx
Classification: Benign. Last evaluated: 2014-04-18. Review status: criteria provided, single submitter. Criteria: GeneDx Variant Classification (06012015). Collection method: clinical testing. Allele origin: germline. Affected: yes. Not counted in ClinVar's aggregate classification.
Comment: This variant is considered likely benign or benign based on one or more of the following criteria: it is a conservative change, it occurs at a poorly conserved position in the protein, it is predicted to be benign by multiple in silico algorithms, and/or has population frequency not consistent with disease.

PreventionGenetics, part of Exact Sciences
Classification: Likely benign for BRCA1-related condition. Last evaluated: 2020-09-08. Review status: no assertion criteria provided. Collection method: clinical testing. Allele origin: germline. Not counted in ClinVar's aggregate classification.
Comment: This variant is classified as likely benign based on ACMG/AMP sequence variant interpretation guidelines (Richards et al. 2015 PMID: 25741868, with internal and published modifications).

Breast Cancer Information Core (BIC) (BRCA1)
Classification: Benign for Breast-ovarian cancer, familial 1. Last evaluated: 2003-12-23. Review status: no assertion criteria provided. Collection method: clinical testing. Allele origin: germline. Affected: yes. Observed: 2 variant alleles. Not counted in ClinVar's aggregate classification.

Department of Pathology and Laboratory Medicine, Sinai Health System
Classification: Uncertain significance. Review status: no assertion criteria provided. Collection method: clinical testing. Allele origin: unknown. Affected: yes. Study: The Canadian Open Genetics Repository (COGR). Not counted in ClinVar's aggregate classification.

Literature cited by the submitters: PubMed 20104584 (cited by Quest Diagnostics Nichols Institute San Juan Capistrano and Women's Health and Genetics/Laboratory Corporation of America, LabCorp); PubMed 17279547 (cited by Quest Diagnostics Nichols Institute San Juan Capistrano and Women's Health and Genetics/Laboratory Corporation of America, LabCorp); PubMed 16267036 (cited by Quest Diagnostics Nichols Institute San Juan Capistrano and Women's Health and Genetics/Laboratory Corporation of America, LabCorp); PubMed 23704879 (cited by Quest Diagnostics Nichols Institute San Juan Capistrano); PubMed 21120943 (cited by Quest Diagnostics Nichols Institute San Juan Capistrano and Women's Health and Genetics/Laboratory Corporation of America, LabCorp); PubMed 21990134 (cited by Quest Diagnostics Nichols Institute San Juan Capistrano); PubMed 18273839 (cited by 3 submitters); PubMed 15447980 (cited by Quest Diagnostics Nichols Institute San Juan Capistrano); PubMed 23893897 (cited by Quest Diagnostics Nichols Institute San Juan Capistrano); PubMed 24607278 (cited by 3 submitters); PubMed 14722926 (cited by 3 submitters); PubMed 25717368 (cited by Quest Diagnostics Nichols Institute San Juan Capistrano); PubMed 33471991 (cited by Quest Diagnostics Nichols Institute San Juan Capistrano and Sema4); PubMed 31131967 (cited by Quest Diagnostics Nichols Institute San Juan Capistrano and Sema4); PubMed 36329109 (cited by Genetics Program, Instituto Nacional de Cancer); PubMed 9544765 (cited by Women's Health and Genetics/Laboratory Corporation of America, LabCorp); PubMed 22034289 (cited by Women's Health and Genetics/Laboratory Corporation of America, LabCorp); PubMed 21520273 (cited by Women's Health and Genetics/Laboratory Corporation of America, LabCorp); PubMed 18284688 (cited by Women's Health and Genetics/Laboratory Corporation of America, LabCorp); PubMed 15726418 (cited by Women's Health and Genetics/Laboratory Corporation of America, LabCorp).

NM_007294.4(BRCA1):c.3600G>T (p.Gln1200His)

Genes: BRCA1 (BRCA1 DNA repair associated; minus strand), LOC126862571 (BRD4-independent group 4 enhancer GRCh37_chr17:41243136-41244335; plus strand). Cytogenetic location: 17q21.31.
Variant type: single nucleotide variant.
Coding change: c.3600G>T on transcript NM_007294.4 (MANE Select); coding-DNA position 3600, G replaced by T.
Protein change: p.Gln1200His; replaces glutamine 1200 with histidine.
Molecular consequence: missense variant. On other transcripts: intron variant (135).
Genome position (GRCh38, 1-based): chr17:43,091,931, C>A on the plus strand (G>T on the coding strand, the complement: BRCA1 is on the minus strand). VCF-style: chr17-43091931-C-A. GRCh37 (hg19) VCF-style: chr17-41243948-C-A.
Other names: p.Q1200H:CAG>CAT; c.3390G>T, p.Gln1130His (NM_001407907.1, NM_001407908.1, NM_001407909.1 and 13 more transcripts); c.3387G>T, p.Gln1129His (NM_001407915.1, NM_001407916.1, NM_001407917.1 and 9 more transcripts); c.3477G>T, p.Gln1159His (NM_001407919.1, NM_001407937.1, NM_001407938.1 and 19 more transcripts); c.3336G>T, p.Gln1112His (NM_001407920.1, NM_001407921.1, NM_001407922.1 and 9 more transcripts); c.3333G>T, p.Gln1111His (NM_001407930.1, NM_001407931.1, NM_001407932.1 and 2 more transcripts); c.3474G>T, p.Gln1158His (NM_001407940.1, NM_001407941.1, NM_001407649.1 and 11 more transcripts); c.3459G>T, p.Gln1153His (NM_001407942.1, NM_001407944.1, NM_001407945.1 and 29 more transcripts); and 42 more; short protein forms Q1200H, Q1153H, Q1158H, Q1159H, Q1173H, Q1174H, Q1032H, Q1112H.
Identifiers: ClinVar variation 54931 (VCV000054931.62), dbSNP rs56214134, ClinGen allele CA002300.